The following is an entry in ClinVar:

ClinVar aggregate classification (germline): Likely pathogenic (1 of 4 stars; one submission).

Conditions:
Juvenile polyposis syndrome (JPS). Identifiers: Orphanet 2929, MedGen C0345893, MONDO:0017380, OMIM 174900.

Submission:

Myriad Genetics, Inc.
Classification: Likely pathogenic for Juvenile polyposis syndrome. Last evaluated: 2023-05-30. Review status: criteria provided, single submitter. Criteria: Myriad Autosomal Dominant, Autosomal Recessive and X-Linked Classification Criteria (2023). Collection method: clinical testing. Allele origin: unknown.
Comment: This variant is considered likely pathogenic. This variant creates a frameshift predicted to result in premature protein truncation.

NM_004329.3(BMPR1A):c.1411del (p.Arg471fs)

Gene: BMPR1A (bone morphogenetic protein receptor type 1A; plus strand). Cytogenetic location: 10q23.2.
Variant type: Deletion.
Coding change: c.1411del on transcript NM_004329.3 (MANE Select); coding-DNA position 1411, one base deleted (C; older notation c.1411delC).
Protein change: p.Arg471fs; shifts the reading frame from arginine 471.
Molecular consequence: frameshift variant. On other transcripts: non-coding transcript variant (3).
Genome position (GRCh38, 1-based): chr10:86,923,444, C deleted. VCF-style (leftmost placement, unchanged base first): chr10-86923443-GC-G. GRCh37 (hg19) VCF-style: chr10-88683200-GC-G.
Other names: c.1486del, p.Arg496fs (NM_001406559.1); c.1459del, p.Arg487fs (NM_001406560.1); c.1411del, p.Arg471fs (NM_001406561.1, NM_001406562.1, NM_001406563.1 and 19 more transcripts); c.1405del, p.Arg469fs (NM_001406583.1); c.1327del, p.Arg443fs (NM_001406584.1, NM_001406585.1, NM_001406586.1 and 2 more transcripts); c.1069del, p.Arg357fs (NM_001406589.1); short protein forms R357fs, R443fs, R469fs, R471fs, R487fs, R496fs.
Identifiers: ClinVar variation 2583715 (VCV002583715.2), dbSNP rs2539648971, ClinGen allele CA2582342697.